The following is an entry in ClinVar:

NM_003482.4(KMT2D):c.8339C>T (p.Thr2780Met)

Gene: KMT2D (lysine methyltransferase 2D; minus strand). Cytogenetic location: 12q13.12.
Variant type: single nucleotide variant.
Coding change: c.8339C>T on transcript NM_003482.4 (MANE Select); coding-DNA position 8339, C replaced by T.
Protein change: p.Thr2780Met; replaces threonine 2780 with methionine.
Molecular consequence: missense variant.
Genome position (GRCh38, 1-based): chr12:49,039,249, G>A on the plus strand (C>T on the coding strand, the complement: KMT2D is on the minus strand). VCF-style: chr12-49039249-G-A. GRCh37 (hg19) VCF-style: chr12-49433032-G-A.
Other names: short protein forms T2780M.
Identifiers: ClinVar variation 1196899 (VCV001196899.8), dbSNP rs770978212, ClinGen allele CA6546858.

ClinVar aggregate classification (germline): Conflicting classifications of pathogenicity. Review status: criteria provided, conflicting classifications (1 of 4 stars). 3 submissions from 3 submitters: Uncertain significance (1); Benign (1); Likely benign (1). Last evaluated 2025-11-03.

Conditions:
Kabuki syndrome. Also called: NIIKAWA-KUROKI SYNDROME; Kabuki make-up syndrome. Identifiers: Orphanet 2322, MedGen C0796004, MONDO:0016512.
KMT2D-related disorder. Also called: KMT2D-Related Disorders.

Allele frequency attached by ClinVar (database versions not stated): ExAC 0.00001; TOPMed 0.00007; gnomAD 0.00011 and 0.00012; gnomAD exomes 0.00002.
gnomAD v4.1: 46 of 1,613,600 alleles (0.0029%); highest among the groups gnomAD compares: African/African-American, 0.029%; no homozygotes.

Submissions (3):

Labcorp Genetics (formerly Invitae), Labcorp
Classification: Benign for Kabuki syndrome. Last evaluated: 2025-11-03. Review status: criteria provided, single submitter. Criteria: Invitae Variant Classification Sherloc (09022015). Collection method: clinical testing. Allele origin: germline.

PreventionGenetics, part of Exact Sciences
Classification: Uncertain significance for KMT2D-related condition. Last evaluated: 2023-06-30. Review status: criteria provided, single submitter. Criteria: ACMG Guidelines, 2015. Collection method: clinical testing. Allele origin: germline.
Comment: The KMT2D c.8339C>T variant is predicted to result in the amino acid substitution p.Thr2780Met. To our knowledge, this variant has not been reported in the literature. This variant is reported in 0.017% of alleles in individuals of African descent in gnomAD. At this time, the clinical significance of this variant is uncertain due to the absence of conclusive functional and genetic evidence.

GeneDx
Classification: Likely benign. Last evaluated: 2019-02-08. Review status: criteria provided, single submitter. Criteria: GeneDx Variant Classification Process June 2021. Collection method: clinical testing. Allele origin: germline. Affected: yes.